The following is an entry in ClinVar:

NM_001267550.2(TTN):c.4108A>G (p.Lys1370Glu)

Genes: TTN (titin; minus strand), LOC101927055 (uncharacterized LOC101927055; plus strand). Cytogenetic location: 2q31.2.
Variant type: single nucleotide variant.
Coding change: c.4108A>G on transcript NM_001267550.2 (MANE Select); coding-DNA position 4108, A replaced by G.
Protein change: p.Lys1370Glu; replaces lysine 1370 with glutamic acid.
Molecular consequence: missense variant.
Genome position (GRCh38, 1-based): chr2:178,778,974, T>C on the plus strand (A>G on the coding strand, the complement: TTN is on the minus strand). VCF-style: chr2-178778974-T-C. GRCh37 (hg19) VCF-style: chr2-179643701-T-C.
Other names: c.3970A>G, p.Lys1324Glu (NM_003319.4, NM_133432.3, NM_133437.4); c.4108A>G, p.Lys1370Glu (NM_001256850.1, NM_133378.4, NM_133379.5); short protein forms K1324E, K1370E.
Identifiers: ClinVar variation 518917 (VCV000518917.5), dbSNP rs1453568535, ClinGen allele CA349473514.

ClinVar aggregate classification (germline): Uncertain significance (1 of 4 stars; one submission).

Conditions:
Cardiovascular phenotype. Identifiers: MedGen CN230736.

Allele frequency attached by ClinVar (database versions not stated): gnomAD exomes 0.00001 and below 0.00001.
gnomAD v4.1: 2 of 1,614,012 alleles (0.00012%); no homozygotes.

Submission:

Ambry Genetics
Classification: Uncertain significance for Cardiovascular phenotype. Last evaluated: 2016-04-29. Review status: criteria provided, single submitter. Criteria: Ambry Variant Classification Scheme 2023. Collection method: clinical testing. Allele origin: germline.
Comment: The p.K1324E variant (also known as c.3970A>G), located in coding exon 22 of the TTN gene, results from an A to G substitution at nucleotide position 3970. The lysine at codon 1324 is replaced by glutamic acid, an amino acid with similar properties, and is located in the near Z-disk region of the titin protein. This variant was not reported in population based cohorts in the following databases: Database of Single Nucleotide Polymorphisms (dbSNP), NHLBI Exome Sequencing Project (ESP), and 1000 Genomes Project. In the ESP, this variant was not observed in 6503 samples (13006 alleles) with coverage at this position. This amino acid position is well conserved in available vertebrate species. In addition, the in silico prediction for this alteration is inconclusive. Since supporting evidence is limited at this time, the clinical significance of this alteration remains unclear.